The following is an entry in ClinVar:

NM_004360.5(CDH1):c.978C>T (p.Ile326=)

Gene: CDH1 (cadherin 1; plus strand). Cytogenetic location: 16q22.1.
Variant type: single nucleotide variant.
Coding change: c.978C>T on transcript NM_004360.5 (MANE Select); coding-DNA position 978, C replaced by T.
Protein change: p.Ile326=; no amino-acid change (isoleucine 326 retained).
Molecular consequence: synonymous variant. On other transcripts: 5 prime UTR variant (2).
Genome position (GRCh38, 1-based): chr16:68,811,829, C>T. VCF-style: chr16-68811829-C-T. GRCh37 (hg19) VCF-style: chr16-68845732-C-T.
Other names: c.978C>T, p.Ile326= (NM_001317184.2); c.-638C>T (NM_001317185.2); c.-842C>T (NM_001317186.2).
Identifiers: ClinVar variation 1768199 (VCV001768199.3), dbSNP rs1960842618, ClinGen allele CA496152958.
Genomic context (GRCh38, chr16:68,811,829, plus strand): 5'-CCAAGATCCTGAGCTCCCTGACAAAAATATGTTCACCATTAACAGGAACACAGGAGTCAT[C>T]AGTGTGGTCACCACTGGGCTGGACCGAGAGGTCAGGGGTCAGGAGGATCCAGAGGGTGTG-3'
Protein context (NP_004351.1, residues 316-336): MFTINRNTGV[Ile326=]SVVTTGLDRE

ClinVar aggregate classification (germline): Benign/Likely benign. Review status: criteria provided, multiple submitters, no conflicts (2 of 4 stars). 2 submissions from 2 submitters: Benign (1); Likely benign (1). Last evaluated 2024-09-17.

Conditions:
Hereditary cancer-predisposing syndrome. Also called: Tumor predisposition; Neoplastic Syndromes, Hereditary; Hereditary Cancer Syndrome; Hereditary neoplastic syndrome. Identifiers: Orphanet 140162, MedGen C0027672, MeSH D009386, MONDO:0015356.
Hereditary diffuse gastric adenocarcinoma (HDGC). Also called: DIFFUSE GASTRIC AND LOBULAR BREAST CANCER SYNDROME. Identifiers: Orphanet 26106, MedGen C1708349, MONDO:0007648, OMIM 137215.

Submissions (2):

Myriad Genetics, Inc.
Classification: Benign for Hereditary diffuse gastric adenocarcinoma. Last evaluated: 2024-09-17. Review status: criteria provided, single submitter. Criteria: Myriad Autosomal Dominant, Autosomal Recessive and X-Linked Classification Criteria (2023). Collection method: clinical testing. Allele origin: unknown.
Comment: This variant is considered benign. This variant is a silent/synonymous amino acid change and it is not expected to impact splicing.

Ambry Genetics
Classification: Likely benign for Hereditary cancer-predisposing syndrome. Last evaluated: 2021-10-06. Review status: criteria provided, single submitter. Criteria: Ambry Variant Classification Scheme 2023. Collection method: clinical testing. Allele origin: germline.